The following is an entry in ClinVar:

NM_022455.5(NSD1):c.5020T>G (p.Cys1674Gly)

Gene: NSD1 (nuclear receptor binding SET domain protein 1; plus strand). Cytogenetic location: 5q35.3.
Variant type: single nucleotide variant.
Coding change: c.5020T>G on transcript NM_022455.5 (MANE Select); coding-DNA position 5020, T replaced by G.
Protein change: p.Cys1674Gly; replaces cysteine 1674 with glycine.
Molecular consequence: missense variant.
Genome position (GRCh38, 1-based): chr5:177,260,042, T>G. VCF-style: chr5-177260042-T-G. GRCh37 (hg19) VCF-style: chr5-176687043-T-G.
Other names: c.5020T>G, p.Cys1674Gly (NM_001409303.1, NM_001409301.1, NM_001409302.1); c.4600T>G, p.Cys1534Gly (NM_001409304.1); c.4267T>G, p.Cys1423Gly (NM_001409305.1); c.4258T>G, p.Cys1420Gly (NM_001409306.1, NM_001409307.1); c.4147T>G, p.Cys1383Gly (NM_001409308.1, NM_001409309.1, NM_172349.5 and 1 more transcripts); short protein forms C1383G, C1420G, C1674G, C1534G, C1423G.
Identifiers: ClinVar variation 3719713 (VCV003719713.2).

ClinVar aggregate classification (germline): Uncertain significance (1 of 4 stars; one submission).

Submission:

Labcorp Genetics (formerly Invitae), Labcorp
Classification: Uncertain significance. Last evaluated: 2024-11-27. Review status: criteria provided, single submitter. Criteria: Invitae Variant Classification Sherloc (09022015). Collection method: clinical testing. Allele origin: germline.
Comment: This sequence change replaces cysteine, which is neutral and slightly polar, with glycine, which is neutral and non-polar, at codon 1674 of the NSD1 protein (p.Cys1674Gly). This variant is not present in population databases (gnomAD no frequency). This missense change has been observed in individual(s) with clinical features of Sotos syndrome (internal data). Invitae Evidence Modeling of protein sequence and biophysical properties (such as structural, functional, and spatial information, amino acid conservation, physicochemical variation, residue mobility, and thermodynamic stability) indicates that this missense variant is expected to disrupt NSD1 protein function with a positive predictive value of 95%. This variant disrupts the p.Cys1674 amino acid residue in NSD1. Other variant(s) that disrupt this residue have been observed in individuals with NSD1-related conditions (PMID: 12464997), which suggests that this may be a clinically significant amino acid residue. In summary, the available evidence is currently insufficient to determine the role of this variant in disease. Therefore, it has been classified as a Variant of Uncertain Significance.

Literature cited by the submitters: PubMed 12464997.